The following is an entry in ClinVar:

ClinVar aggregate classification (germline): Uncertain significance (1 of 4 stars; one submission).

Conditions:
Ataxia-telangiectasia syndrome (AT). Also called: Ataxia-telangiectasia, complementation group E; Ataxia-telangiectasia; ATAXIA-TELANGIECTASIA, COMPLEMENTATION GROUP A; Ataxia-telangiectasia, complementation group D; Ataxia telangiectasia (A-T); LOUIS-BAR SYNDROME. Identifiers: Orphanet 100, MedGen C0004135, MONDO:0008840, OMIM 208900.

Submission:

Labcorp Genetics (formerly Invitae), Labcorp
Classification: Uncertain significance for Ataxia-telangiectasia syndrome. Last evaluated: 2023-03-20. Review status: criteria provided, single submitter. Criteria: Invitae Variant Classification Sherloc (09022015). Collection method: clinical testing. Allele origin: germline.
Comment: In summary, the available evidence is currently insufficient to determine the role of this variant in disease. Therefore, it has been classified as a Variant of Uncertain Significance. An algorithm developed to predict the effect of missense changes on protein structure and function (PolyPhen-2) suggests that this variant is likely to be tolerated. ClinVar contains an entry for this variant (Variation ID: 2003165). This variant has not been reported in the literature in individuals affected with ATM-related conditions. This variant is not present in population databases (gnomAD no frequency). This sequence change replaces serine, which is neutral and polar, with tyrosine, which is neutral and polar, at codon 433 of the ATM protein (p.Ser433Tyr).

NM_000051.4(ATM):c.1298C>A (p.Ser433Tyr)

Gene: ATM (ATM serine/threonine kinase; plus strand). Cytogenetic location: 11q22.3.
Variant type: single nucleotide variant.
Coding change: c.1298C>A on transcript NM_000051.4 (MANE Select); coding-DNA position 1298, C replaced by A.
Protein change: p.Ser433Tyr; replaces serine 433 with tyrosine.
Molecular consequence: missense variant.
Genome position (GRCh38, 1-based): chr11:108,250,763, C>A. VCF-style: chr11-108250763-C-A. GRCh37 (hg19) VCF-style: chr11-108121490-C-A.
Other names: c.1298C>A, p.Ser433Tyr (NM_001351834.2); short protein forms S433Y.
Identifiers: ClinVar variation 2003165 (VCV002003165.4), dbSNP rs2135317776, ClinGen allele CA382533576.